The following is an entry in ClinVar:

NM_006267.5(RANBP2):c.3220A>G (p.Lys1074Glu)

Gene: RANBP2 (RAN binding protein 2; plus strand). Cytogenetic location: 2q13.
Variant type: single nucleotide variant.
Coding change: c.3220A>G on transcript NM_006267.5 (MANE Select); coding-DNA position 3220, A replaced by G.
Protein change: p.Lys1074Glu; replaces lysine 1074 with glutamic acid.
Molecular consequence: missense variant.
Genome position (GRCh38, 1-based): chr2:108,763,759, A>G. VCF-style: chr2-108763759-A-G. GRCh37 (hg19) VCF-style: chr2-109380215-A-G.
Other names: short protein forms K1074E.
Identifiers: ClinVar variation 864473 (VCV000864473.1), dbSNP rs372948464, ClinGen allele CA1822898.
Genomic context (GRCh38, chr2:108,763,759, plus strand): 5'-CAGCCCCCTCCTGCAGCTTACAGTAACAGTGAAAGCCTTTTAGGTCTCCTGACTTCAGAT[A>G]AACCCTTGCAAGGAGATGGCTATAGTGGAGCCAAACCAATTCCTGGTGGTCAAACCATTG-3'
Protein context (NP_006258.3, residues 1064-1084): ESLLGLLTSD[Lys1074Glu]PLQGDGYSGA

ClinVar aggregate classification (germline): Uncertain significance (1 of 4 stars; one submission).

Conditions:
Familial acute necrotizing encephalopathy (IIAE3). Also called: ENCEPHALOPATHY, ACUTE, INFECTION-INDUCED, SUSCEPTIBILITY TO, 3; Susceptibility to Acute Necrotizing Encephalopathy 1. Identifiers: Orphanet 88619, MedGen C2675556, MONDO:0011953, OMIM 608033.

Allele frequency attached by ClinVar (database versions not stated): gnomAD exomes below 0.00001; ExAC 0.00001; gnomAD 0.00001; ESP Exome Variant Server 0.00008.
gnomAD v4.1: 2 of 1,613,934 alleles (0.00012%); highest among the groups gnomAD compares: Non-Finnish European, 0.00017%; no homozygotes.

Submission:

Labcorp Genetics (formerly Invitae), Labcorp
Classification: Uncertain significance for Encephalopathy, acute, infection-induced, 3, suceptibility to. Last evaluated: 2019-12-04. Review status: criteria provided, single submitter. Criteria: Invitae Variant Classification Sherloc (09022015). Collection method: clinical testing. Allele origin: germline.
Comment: This sequence change replaces lysine with glutamic acid at codon 1074 of the RANBP2 protein (p.Lys1074Glu). The lysine residue is highly conserved and there is a small physicochemical difference between lysine and glutamic acid. This variant is present in population databases (rs372948464, ExAC 0.01%). This variant has not been reported in the literature in individuals with RANBP2-related conditions. Algorithms developed to predict the effect of missense changes on protein structure and function are either unavailable or do not agree on the potential impact of this missense change (SIFT: "Deleterious"; PolyPhen-2: "Benign"; Align-GVGD: "Class C55"). In summary, the available evidence is currently insufficient to determine the role of this variant in disease. Therefore, it has been classified as a Variant of Uncertain Significance.